The following is an entry in ClinVar:

NM_000051.4(ATM):c.6176C>T (p.Thr2059Ile)

Genes: ATM (ATM serine/threonine kinase; plus strand), C11orf65 (chromosome 11 open reading frame 65; minus strand). Cytogenetic location: 11q22.3.
Variant type: single nucleotide variant.
Coding change: c.6176C>T on transcript NM_000051.4 (MANE Select); coding-DNA position 6176, C replaced by T.
Protein change: p.Thr2059Ile; replaces threonine 2059 with isoleucine.
Molecular consequence: missense variant. On other transcripts: intron variant (2).
Genome position (GRCh38, 1-based): chr11:108,316,091, C>T. VCF-style: chr11-108316091-C-T. GRCh37 (hg19) VCF-style: chr11-108186818-C-T.
Other names: p.T2059I:ACA>ATA; NP_000042.3:p.Thr2059Ile; c.6176C>T, p.Thr2059Ile (NM_001351834.2); c.641-7020G>A (NM_001330368.2); c.*39-7020G>A (NM_001351110.2); short protein forms T2059I.
Identifiers: ClinVar variation 127421 (VCV000127421.43), dbSNP rs144761622, ClinGen allele CA286928.

ClinVar aggregate classification (germline): Conflicting classifications of pathogenicity. Review status: criteria provided, conflicting classifications (1 of 4 stars). 18 submissions from 18 submitters: Uncertain significance (3); Benign (2); Likely benign (11). 2 of the submissions do not count toward it. Last evaluated 2026-01-31.

Conditions:
Hereditary cancer. Identifiers: MedGen C1333600.
ATM-related disorder. Also called: ATM-related disorders; ATM-related condition.
Hereditary cancer-predisposing syndrome. Also called: Neoplastic Syndromes, Hereditary; Hereditary Cancer Syndrome; Tumor predisposition; Hereditary neoplastic syndrome. Identifiers: Orphanet 140162, MedGen C0027672, MeSH D009386, MONDO:0015356.
Hereditary breast ovarian cancer syndrome. Also called: BRCA1- and BRCA2-Associated Hereditary Breast and Ovarian Cancer; Hereditary breast and ovarian cancer syndrome; Hereditary breast and ovarian cancer syndrome (HBOC); Hereditary breast and/or ovarian cancer syndrome; Hereditary breast and ovarian cancer; Breast and ovarian cancer. Identifiers: Orphanet 145, MedGen C0677776, MeSH D061325, MONDO:0003582. Disease mechanism: loss of function.
Familial cancer of breast. Also called: BREAST CANCER, FAMILIAL; hereditary breast carcinoma; Hereditary breast cancer. Identifiers: Orphanet 227535, MedGen C0346153, MONDO:0016419, OMIM 114480. Disease mechanism: loss of function.
Ataxia-telangiectasia syndrome (AT). Also called: Ataxia-telangiectasia, complementation group D; AT, COMPLEMENTATION GROUP C; Ataxia-telangiectasia; ATAXIA-TELANGIECTASIA, COMPLEMENTATION GROUP A; ATAXIA-TELANGIECTASIA, FRESNO VARIANT; Ataxia-telangiectasia, complementation group E. Identifiers: Orphanet 100, MedGen C0004135, MONDO:0008840, OMIM 208900.

Allele frequency attached by ClinVar (database versions not stated): 1000 Genomes Project 30x 0.00062; gnomAD 0.00117 and 0.00126; gnomAD exomes 0.00023 and 0.00011; ESP Exome Variant Server 0.00146; 1000 Genomes Project 0.00080; ExAC 0.00031; TOPMed 0.00127.
gnomAD v4.1: 338 of 1,614,122 alleles (0.021%); highest among the groups gnomAD compares: African/African-American, 0.42%; 1 homozygote.

Submissions (18):

Labcorp Genetics (formerly Invitae), Labcorp
Classification: Benign for Ataxia-telangiectasia syndrome. Last evaluated: 2026-01-31. Review status: criteria provided, single submitter. Criteria: Invitae Variant Classification Sherloc (09022015). Collection method: clinical testing. Allele origin: germline.

Dasa
Classification: Likely benign. Last evaluated: 2025-11-06. Review status: criteria provided, single submitter. Criteria: DASA Assertion Criteria. Collection method: clinical testing. Allele origin: germline.
Comment: NM_000051.4(ATM):c.6176C>T (p.Thr2059Ile) is a missense variant that results in the substitution of threonine with isoleucine. Multiple computational predictions suggest no deleterious effect on the gene or gene product. Based on the available data, this variant is classified as likely benign.

Quest Diagnostics Nichols Institute San Juan Capistrano
Classification: Likely benign. Last evaluated: 2024-12-30. Review status: criteria provided, single submitter. Criteria: Quest Diagnostics criteria. Collection method: clinical testing. Allele origin: unknown.

Mayo Clinic Laboratories, Mayo Clinic
Classification: Likely benign. Last evaluated: 2024-11-06. Review status: criteria provided, single submitter. Criteria: ACMG Guidelines, 2015. Collection method: clinical testing. Allele origin: germline. Observed: 2 variant alleles.
Comment: BS1, BP4

Myriad Genetics, Inc.
Classification: Likely benign for Familial cancer of breast. Last evaluated: 2024-06-03. Review status: criteria provided, single submitter. Criteria: Myriad Autosomal Dominant, Autosomal Recessive and X-Linked Classification Criteria (2023). Collection method: clinical testing. Allele origin: unknown.
Comment: This variant is considered likely benign. This variant is strongly associated with less severe personal and family histories of cancer, typical for individuals without pathogenic variants in this gene [PMID: 25085752].

Mendelics
Classification: Likely benign for Hereditary cancer. Last evaluated: 2024-01-23. Review status: criteria provided, single submitter. Criteria: ACMG Guidelines, 2015. Collection method: clinical testing. Allele origin: unknown.

Blueprint Genetics
Classification: Likely benign. Last evaluated: 2024-01-08. Review status: criteria provided, single submitter. Criteria: ACMG Guidelines, 2015. Collection method: clinical testing. Allele origin: germline.

Department of Pathology and Laboratory Medicine, Sinai Health System
Classification: Uncertain significance for Ataxia-telangiectasia syndrome. Last evaluated: 2023-09-25. Review status: criteria provided, single submitter. Criteria: ACMG Guidelines, 2015. Collection method: clinical testing. Allele origin: germline. Affected: yes.

National Health Laboratory Service, Universitas Academic Hospital and University of the Free State
Classification: Likely benign for Hereditary breast ovarian cancer syndrome. Last evaluated: 2022-04-19. Review status: criteria provided, single submitter. Criteria: ACMG Guidelines, 2015. Collection method: clinical testing. Allele origin: germline. Affected: yes. Observed: 3 variant alleles.

Women's Health and Genetics/Laboratory Corporation of America, LabCorp
Classification: Benign. Last evaluated: 2021-06-21. Review status: criteria provided, single submitter. Criteria: LabCorp Variant Classification Summary - May 2015. Collection method: clinical testing. Allele origin: germline.
Comment: Variant summary: ATM c.6176C>T (p.Thr2059Ile) results in a non-conservative amino acid change located in the PIK-related kinase (IPR014009) of the encoded protein sequence. Four of five in-silico tools predict a damaging effect of the variant on protein function. The variant allele was found at a frequency of 0.00023 in 251306 control chromosomes, predominantly at a frequency of 0.0033 within the African or African-American subpopulation in the gnomAD database. The observed variant frequency within African or African-American control individuals in the gnomAD database is approximately 3.3 fold of the estimated maximal expected allele frequency for a pathogenic variant in ATM causing Breast Cancer phenotype (0.001), strongly suggesting that the variant is a benign polymorphism found primarily in populations of African or African-American origin. Consistently, this variant is observed at a frequency of 22/9884 subjects to include 21 women of African American ancestry (0.002226) in the FLOSSIES database of cancer free women at age 70. c.6176C>T has been reported in the literature in settings of multgene cancer panel testing in controls as well as patients with a variety of cancers to include breast, colorectal, endometrial and therapy related myeloid neoplasms without strong evidence for pathogenicity (example, Ho_2007, Edvardsen_2007, Bretsky_2003, Hirsch_2008, Bernstein_2010, Ring_2016, Yurgelun_2017, Tung_2015, Singhal_2021). This variant was reported as a germline VUS to co-occur with a WT1 variant of somatic origin (c.1137dup, p.R380Tfs*5) in one case of therapy related myeloid neoplasm (Singhal_2021). At-least one co-occurrence with another pathogenic variant has been observed at our laboratory (BRCA2 c.5042_5043delTG, p.Val1681fs), providing supporting evidence for a benign role. To our knowledge, no experimental evidence demonstrating an impact on protein function has been reported. Eight clinical diagnostic laboratories have submitted clinical-significance assessments for this variant to ClinVar after 2014 without evidence for independent evaluation. Multiple laboratories reported the variant with conflicting assessments (benign/likely benign, n=3; VUS, n=5). Some submitters cite overlapping evidence utilized in the context of this evaluation and at-least one additional submitter has re-classified this variant from a VUS to likely benign since its previous evaluation. Based on the evidence outlined above, the variant was classified as benign.

GeneDx
Classification: Likely benign. Last evaluated: 2021-06-05. Review status: criteria provided, single submitter. Criteria: GeneDx Variant Classification Process June 2021. Collection method: clinical testing. Allele origin: germline. Affected: yes.
Comment: In silico analysis, which includes protein predictors and evolutionary conservation, supports a deleterious effect; This variant is associated with the following publications: (PMID: 28135145, 27443514, 25186627, 19781682, 12917204, 17333338, 17517479, 20305132, 17623063, 23555315)

Sema4
Classification: Likely benign for Hereditary cancer-predisposing syndrome. Last evaluated: 2021-05-29. Review status: criteria provided, single submitter. Criteria: Sema4 Curation Guidelines. Collection method: curation. Allele origin: germline.

Baylor Genetics
Classification: Uncertain significance for Ataxia-telangiectasia syndrome. Last evaluated: 2019-10-08. Review status: criteria provided, single submitter. Criteria: ACMG Guidelines, 2015. Collection method: clinical testing. Allele origin: paternal. Affected: yes. Study: CSER-TexasKidsCanSeq.
Comment: This variant was determined to be of uncertain significance according to ACMG Guidelines, 2015 [PMID:25741868].

Ambry Genetics
Classification: Likely benign for Hereditary cancer-predisposing syndrome. Last evaluated: 2019-07-08. Review status: criteria provided, single submitter. Criteria: Ambry Variant Classification Scheme 2023. Collection method: clinical testing. Allele origin: germline.

Genetic Services Laboratory, University of Chicago
Classification: Uncertain significance. Last evaluated: 2016-09-29. Review status: criteria provided, single submitter. Criteria: ACMG Guidelines, 2015. Collection method: clinical testing. Allele origin: germline. Affected: no.

Color Diagnostics, LLC DBA Color Health
Classification: Likely benign for Hereditary cancer-predisposing syndrome. Last evaluated: 2015-09-23. Review status: criteria provided, single submitter. Criteria: ACMG Guidelines, 2015. Collection method: clinical testing. Allele origin: germline.

PreventionGenetics, part of Exact Sciences
Classification: Likely benign for ATM-related condition. Last evaluated: 2024-05-01. Review status: no assertion criteria provided. Collection method: clinical testing. Allele origin: germline. Not counted in ClinVar's aggregate classification.
Comment: This variant is classified as likely benign based on ACMG/AMP sequence variant interpretation guidelines (Richards et al. 2015 PMID: 25741868, with internal and published modifications).

Natera, Inc.
Classification: Uncertain significance for Ataxia-telangiectasia. Last evaluated: 2020-04-03. Review status: no assertion criteria provided. Collection method: clinical testing. Allele origin: germline. Not counted in ClinVar's aggregate classification.

Literature cited by the submitters: PubMed 25085752 (cited by Myriad Genetics, Inc.); PubMed 28135145 (cited by Department of Pathology and Laboratory Medicine, Sinai Health System and Women's Health and Genetics/Laboratory Corporation of America, LabCorp); PubMed 27443514 (cited by Department of Pathology and Laboratory Medicine, Sinai Health System and Women's Health and Genetics/Laboratory Corporation of America, LabCorp); PubMed 25186627 (cited by Department of Pathology and Laboratory Medicine, Sinai Health System and Women's Health and Genetics/Laboratory Corporation of America, LabCorp); PubMed 20305132 (cited by Department of Pathology and Laboratory Medicine, Sinai Health System and Women's Health and Genetics/Laboratory Corporation of America, LabCorp); PubMed 17333338 (cited by 3 submitters); PubMed 17517479 (cited by 3 submitters); PubMed 12917204 (cited by 3 submitters); PubMed 17623063 (cited by Department of Pathology and Laboratory Medicine, Sinai Health System and Women's Health and Genetics/Laboratory Corporation of America, LabCorp); PubMed 33850299 (cited by Department of Pathology and Laboratory Medicine, Sinai Health System and Women's Health and Genetics/Laboratory Corporation of America, LabCorp).